The following is an entry in ClinVar:

ClinVar aggregate classification (germline): Conflicting classifications of pathogenicity. Review status: criteria provided, conflicting classifications (1 of 4 stars). 3 submissions from 3 submitters: Likely pathogenic (1); Uncertain significance (2). Last evaluated 2025-02-07.

Conditions:
Inborn genetic diseases. Identifiers: MedGen C0950123, MeSH D030342.
Intellectual disability, autosomal recessive 53 (NEDHSCA). Also called: NEURODEVELOPMENTAL DISORDER WITH OR WITHOUT HYPOTONIA, SEIZURES, AND CEREBELLAR ATROPHY; GLYCOSYLPHOSPHATIDYLINOSITOL BIOSYNTHESIS DEFECT 13; Mental retardation, autosomal recessive 53. Identifiers: Orphanet 488635, MedGen C4310794, MONDO:0014832, OMIM 616917.

Allele frequency attached by ClinVar (database versions not stated): TOPMed 0.00002; ExAC 0.00003; gnomAD 0.00001.
gnomAD v4.1: 90 of 1,614,052 alleles (0.0056%); highest among the groups gnomAD compares: Middle Eastern, 0.016%; no homozygotes.

Submissions (3):

Ambry Genetics
Classification: Uncertain significance for Inborn genetic diseases. Last evaluated: 2025-02-07. Review status: criteria provided, single submitter. Criteria: Ambry Variant Classification Scheme 2023. Collection method: clinical testing. Allele origin: germline.

GeneDx
Classification: Likely pathogenic. Last evaluated: 2024-12-04. Review status: criteria provided, single submitter. Criteria: GeneDx Variant Classification Process June 2021. Collection method: clinical testing. Allele origin: germline. Affected: yes.
Comment: Not observed at significant frequency in large population cohorts (gnomAD); In silico analysis supports that this missense variant has a deleterious effect on protein structure/function; Has not been previously published as pathogenic or benign to our knowledge

Labcorp Genetics (formerly Invitae), Labcorp
Classification: Uncertain significance for Intellectual disability, autosomal recessive 53. Last evaluated: 2022-08-23. Review status: criteria provided, single submitter. Criteria: Invitae Variant Classification Sherloc (09022015). Collection method: clinical testing. Allele origin: germline.
Comment: This sequence change replaces proline, which is neutral and non-polar, with leucine, which is neutral and non-polar, at codon 325 of the PIGG protein (p.Pro325Leu). This variant is present in population databases (rs746660978, gnomAD 0.006%). This variant has not been reported in the literature in individuals affected with PIGG-related conditions. ClinVar contains an entry for this variant (Variation ID: 1195745). Algorithms developed to predict the effect of missense changes on protein structure and function are either unavailable or do not agree on the potential impact of this missense change (SIFT: "Deleterious"; PolyPhen-2: "Probably Damaging"; Align-GVGD: "Class C0"). In summary, the available evidence is currently insufficient to determine the role of this variant in disease. Therefore, it has been classified as a Variant of Uncertain Significance.

NM_001127178.3(PIGG):c.974C>T (p.Pro325Leu)

Gene: PIGG (phosphatidylinositol glycan anchor biosynthesis class G (EMM blood group); plus strand). Cytogenetic location: 4p16.3.
Variant type: single nucleotide variant.
Coding change: c.974C>T on transcript NM_001127178.3 (MANE Select); coding-DNA position 974, C replaced by T.
Protein change: p.Pro325Leu; replaces proline 325 with leucine.
Molecular consequence: missense variant. On other transcripts: 5 prime UTR variant (4), non-coding transcript variant (10).
Genome position (GRCh38, 1-based): chr4:516,045, C>T. VCF-style: chr4-516045-C-T. GRCh37 (hg19) VCF-style: chr4-509834-C-T.
Other names: c.707C>T, p.Pro236Leu (NM_001289051.2, NM_001289053.2, NM_001289057.2 and 2 more transcripts); c.575C>T, p.Pro192Leu (NM_001289052.2); c.608C>T, p.Pro203Leu (NM_001289055.2); c.-56C>T (NM_001345988.2); c.974C>T, p.Pro325Leu (NM_001345989.2, NM_017733.5); c.-652C>T (NM_001345990.2); c.-514C>T (NM_001345991.2); c.-239C>T (NM_001345994.2); and 1 more; short protein forms P192L, P203L, P236L, P325L.
Identifiers: ClinVar variation 1195745 (VCV001195745.9), dbSNP rs746660978, ClinGen allele CA2793168.